The following is an entry in ClinVar:

ClinVar aggregate classification (germline): Uncertain significance (1 of 4 stars; one submission).

Conditions:
Neurodevelopmental disorder with cataracts, poor growth, and dysmorphic facies. Identifiers: MedGen C5231414, MONDO:0032817, OMIM 618571.

gnomAD v4.1: 20 of 1,611,580 alleles (0.0012%); highest among the groups gnomAD compares: Admixed American, 0.012%; no homozygotes.

Submission:

Laboratorio de Genetica e Diagnostico Molecular, Hospital Israelita Albert Einstein
Classification: Uncertain significance for Neurodevelopmental disorder with cataracts, poor growth, and dysmorphic facies. Last evaluated: 2024-07-31. Review status: criteria provided, single submitter. Criteria: ACMG Guidelines, 2015. Collection method: clinical testing. Allele origin: germline. Affected: yes.
Comment: ACMG classification criteria: PM2 supporting

NM_001080453.3(INTS1):c.3741C>T (p.Phe1247=)

Gene: INTS1 (integrator complex subunit 1; minus strand). Cytogenetic location: 7p22.3.
Variant type: single nucleotide variant.
Coding change: c.3741C>T on transcript NM_001080453.3 (MANE Select); coding-DNA position 3741, C replaced by T.
Protein change: p.Phe1247=; no amino-acid change (phenylalanine 1247 retained).
Molecular consequence: synonymous variant.
Genome position (GRCh38, 1-based): chr7:1,481,451, G>A on the plus strand (C>T on the coding strand, the complement: INTS1 is on the minus strand). VCF-style: chr7-1481451-G-A. GRCh37 (hg19) VCF-style: chr7-1521087-G-A.
Identifiers: ClinVar variation 4056798 (VCV004056798.1).